The following is an entry in ClinVar:

ClinVar aggregate classification (germline): Pathogenic (0 of 4 stars; one submission).

Conditions:
Fanconi anemia complementation group A (FANCA). Also called: Fanconi anemia, group A; FANCA-Related Fanconi Anemia. Identifiers: Orphanet 84, MedGen C3469521, MONDO:0009215, OMIM 227650.

Submission:

Leiden Open Variation Database
Classification: Pathogenic for Fanconi anemia complementation group A. Last evaluated: 2020-02-28. Review status: no assertion criteria provided. Collection method: curation. Allele origin: germline. Affected: yes.
Comment: Curator: Arleen D. Auerbach. Submitter to LOVD: Arleen D. Auerbach.

Literature cited by the submitters: PubMed 25168418.

NC_000016.10:g.88251884_88328516del

Variant type: Deletion.
Identifiers: ClinVar variation 974138 (VCV000974138.1).